The following is an entry in ClinVar:

NM_021076.4(NEFH):c.950A>G (p.Glu317Gly)

Gene: NEFH (neurofilament heavy chain; plus strand). Cytogenetic location: 22q12.2.
Variant type: single nucleotide variant.
Coding change: c.950A>G on transcript NM_021076.4 (MANE Select); coding-DNA position 950, A replaced by G.
Protein change: p.Glu317Gly; replaces glutamic acid 317 with glycine.
Molecular consequence: missense variant.
Genome position (GRCh38, 1-based): chr22:29,483,441, A>G. VCF-style: chr22-29483441-A-G. GRCh37 (hg19) VCF-style: chr22-29879430-A-G.
Other names: short protein forms E317G.
Identifiers: ClinVar variation 2822127 (VCV002822127.3), dbSNP rs765360024, ClinGen allele CA411125084.

ClinVar aggregate classification (germline): Uncertain significance (1 of 4 stars; one submission).

Submission:

Labcorp Genetics (formerly Invitae), Labcorp
Classification: Uncertain significance. Last evaluated: 2022-12-19. Review status: criteria provided, single submitter. Criteria: Invitae Variant Classification Sherloc (09022015). Collection method: clinical testing. Allele origin: germline.
Comment: This sequence change replaces glutamic acid, which is acidic and polar, with glycine, which is neutral and non-polar, at codon 317 of the NEFH protein (p.Glu317Gly). In summary, the available evidence is currently insufficient to determine the role of this variant in disease. Therefore, it has been classified as a Variant of Uncertain Significance. Algorithms developed to predict the effect of missense changes on protein structure and function are either unavailable or do not agree on the potential impact of this missense change (SIFT: "Deleterious"; PolyPhen-2: "Not Available"; Align-GVGD: "Class C65"). This variant has not been reported in the literature in individuals affected with NEFH-related conditions. This variant is not present in population databases (gnomAD no frequency).